The following is an entry in ClinVar:

ClinVar aggregate classification (germline): Likely benign (0 of 4 stars; one submission).

Conditions:
CUL4B-related disorder. Also called: CUL4B-related condition.

Submission:

PreventionGenetics, part of Exact Sciences
Classification: Likely benign for CUL4B-related condition. Last evaluated: 2023-11-16. Review status: no assertion criteria provided. Collection method: clinical testing. Allele origin: germline.
Comment: This variant is classified as likely benign based on ACMG/AMP sequence variant interpretation guidelines (Richards et al. 2015 PMID: 25741868, with internal and published modifications).

NM_001079872.2(CUL4B):c.2440-6del

Gene: CUL4B (cullin 4B; minus strand). Cytogenetic location: Xq24.
Variant type: Deletion.
Coding change: c.2440-6del on transcript NM_001079872.2 (MANE Select); 6 bases into the intron before coding-DNA position 2440, one base deleted (T; older notation c.2440-6delT).
Molecular consequence: intron variant.
Genome position (GRCh38, 1-based): chrX:120,530,260, A deleted on the plus strand (T on the coding strand, the reverse complement: CUL4B is on the minus strand); the first of 6 consecutive A bases (chrX:120,530,260-120,530,265); deleting any one gives the same sequence. VCF-style (leftmost placement, unchanged base first): chrX-120530259-CA-C. GRCh37 (hg19) VCF-style: chrX-119664114-CA-C.
Other names: c.2494-6del (NM_003588.4); c.2455-6del (NM_001330624.2); c.1906-6del (NM_001369145.1).
Identifiers: ClinVar variation 3358208 (VCV003358208.1).